The following is an entry in ClinVar:

NM_000218.3(KCNQ1):c.1405C>T (p.Pro469Ser)

Genes: KCNQ1 (potassium voltage-gated channel subfamily Q member 1; plus strand), KCNQ1OT1 (KCNQ1 opposite strand/antisense transcript 1; minus strand). Cytogenetic location: 11p15.5.
Variant type: single nucleotide variant.
Coding change: c.1405C>T on transcript NM_000218.3 (MANE Select); coding-DNA position 1405, C replaced by T.
Protein change: p.Pro469Ser; replaces proline 469 with serine.
Molecular consequence: missense variant. On other transcripts: non-coding transcript variant (1).
Genome position (GRCh38, 1-based): chr11:2,661,972, C>T. VCF-style: chr11-2661972-C-T. GRCh37 (hg19) VCF-style: chr11-2683202-C-T.
Other names: c.1309C>T, p.Pro437Ser (NM_001406836.1); c.1135C>T, p.Pro379Ser (NM_001406837.1); c.865C>T, p.Pro289Ser (NM_001406838.1); c.1024C>T, p.Pro342Ser (NM_181798.2); short protein forms P342S, P379S, P289S, P437S, P469S.
Identifiers: ClinVar variation 2760094 (VCV002760094.3), dbSNP rs2493869749, ClinGen allele CA379479378.

ClinVar aggregate classification (germline): Uncertain significance (1 of 4 stars; one submission).

Conditions:
Long QT syndrome (LQTS). Identifiers: MedGen C0023976, MeSH D008133, MONDO:0002442. Disease mechanism: loss of function. Inheritance: Various modes of inheritance.

Submission:

Labcorp Genetics (formerly Invitae), Labcorp
Classification: Uncertain significance for Long QT syndrome. Last evaluated: 2025-05-11. Review status: criteria provided, single submitter. Criteria: Invitae Variant Classification Sherloc (09022015). Collection method: clinical testing. Allele origin: germline.
Comment: This sequence change replaces proline, which is neutral and non-polar, with serine, which is neutral and polar, at codon 469 of the KCNQ1 protein (p.Pro469Ser). This variant is not present in population databases (gnomAD no frequency). This variant has not been reported in the literature in individuals affected with KCNQ1-related conditions. ClinVar contains an entry for this variant (Variation ID: 2760094). Invitae Evidence Modeling of protein sequence and biophysical properties (such as structural, functional, and spatial information, amino acid conservation, physicochemical variation, residue mobility, and thermodynamic stability) indicates that this missense variant is not expected to disrupt KCNQ1 protein function with a negative predictive value of 95%. In summary, the available evidence is currently insufficient to determine the role of this variant in disease. Therefore, it has been classified as a Variant of Uncertain Significance.